The following is an entry in ClinVar:

NM_032043.3(BRIP1):c.1289T>C (p.Ile430Thr)

Gene: BRIP1 (BRCA1 interacting DNA helicase 1; minus strand). Cytogenetic location: 17q23.2.
Variant type: single nucleotide variant.
Coding change: c.1289T>C on transcript NM_032043.3 (MANE Select); coding-DNA position 1289, T replaced by C.
Protein change: p.Ile430Thr; replaces isoleucine 430 with threonine.
Molecular consequence: missense variant.
Genome position (GRCh38, 1-based): chr17:61,799,151, A>G on the plus strand (T>C on the coding strand, the complement: BRIP1 is on the minus strand). VCF-style: chr17-61799151-A-G. GRCh37 (hg19) VCF-style: chr17-59876512-A-G.
Other names: short protein forms I430T.
Identifiers: ClinVar variation 461068 (VCV000461068.12), dbSNP rs1555607077, ClinGen allele CA400483515.
Genomic context (GRCh38, chr17:61,799,151, plus strand): 5'-TCTTCTTACTTAATGAGGCTACAGCACACAGCTCGTAGGGGTTCATGATCTTTCTTCCTT[A>G]TATTATTGTTGACCATACTATCTAGTTCATCCCGAGCAAACCGAAGCTGAACTTCTGTTA-3'
Protein context (NP_114432.2, residues 420-440): DELDSMVNNN[Ile430Thr]RKKDHEPLRA

ClinVar aggregate classification (germline): Uncertain significance. Review status: criteria provided, multiple submitters, no conflicts (2 of 4 stars). 2 submissions from 2 submitters: Uncertain significance (2). Last evaluated 2024-08-06.

Conditions:
Hereditary cancer-predisposing syndrome. Also called: Hereditary neoplastic syndrome; Neoplastic Syndromes, Hereditary; Tumor predisposition; Hereditary Cancer Syndrome. Identifiers: Orphanet 140162, MedGen C0027672, MeSH D009386, MONDO:0015356.
Fanconi anemia complementation group J. Also called: BRIP1-Related Fanconi Anemia. Identifiers: Orphanet 84, MedGen C1836860, MONDO:0012187, OMIM 609054.
Familial cancer of breast. Also called: BREAST CANCER, FAMILIAL; hereditary breast carcinoma; Hereditary breast cancer. Identifiers: Orphanet 227535, MedGen C0346153, MONDO:0016419, OMIM 114480. Disease mechanism: loss of function.

Allele frequency attached by ClinVar (database versions not stated): TOPMed below 0.00001; gnomAD exomes below 0.00001.
gnomAD v4.1: 1 of 1,613,666 alleles (0.000062%); highest among the groups gnomAD compares: Non-Finnish European, 0.000085%; no homozygotes.

Submissions (2):

Labcorp Genetics (formerly Invitae), Labcorp
Classification: Uncertain significance for Familial cancer of breast; Fanconi anemia complementation group J. Last evaluated: 2024-08-06. Review status: criteria provided, single submitter. Criteria: Invitae Variant Classification Sherloc (09022015). Collection method: clinical testing. Allele origin: germline.
Comment: This sequence change replaces isoleucine, which is neutral and non-polar, with threonine, which is neutral and polar, at codon 430 of the BRIP1 protein (p.Ile430Thr). This variant is not present in population databases (gnomAD no frequency). This variant has not been reported in the literature in individuals affected with BRIP1-related conditions. ClinVar contains an entry for this variant (Variation ID: 461068). Advanced modeling of protein sequence and biophysical properties (such as structural, functional, and spatial information, amino acid conservation, physicochemical variation, residue mobility, and thermodynamic stability) performed at Invitae indicates that this missense variant is not expected to disrupt BRIP1 protein function with a negative predictive value of 80%. In summary, the available evidence is currently insufficient to determine the role of this variant in disease. Therefore, it has been classified as a Variant of Uncertain Significance.

Ambry Genetics
Classification: Uncertain significance for Hereditary cancer-predisposing syndrome. Last evaluated: 2022-11-16. Review status: criteria provided, single submitter. Criteria: Ambry Variant Classification Scheme 2023. Collection method: clinical testing. Allele origin: germline.
Comment: The p.I430T variant (also known as c.1289T>C), located in coding exon 8 of the BRIP1 gene, results from a T to C substitution at nucleotide position 1289. The isoleucine at codon 430 is replaced by threonine, an amino acid with similar properties. This amino acid position is highly conserved in available vertebrate species. In addition, the in silico prediction for this alteration is inconclusive. Since supporting evidence is limited at this time, the clinical significance of this alteration remains unclear.